The following is an entry in ClinVar:

ClinVar aggregate classification (germline): Uncertain significance (1 of 4 stars; one submission).

Conditions:
Severe combined immunodeficiency due to IKK2 deficiency. Also called: IMMUNODEFICIENCY 15B; Immunodeficiency 15. Identifiers: Orphanet 397787, MedGen C4747743, MONDO:0014267, OMIM 615592.

Allele frequency attached by ClinVar (database versions not stated): gnomAD exomes below 0.00001 and 0.00001; TOPMed below 0.00001; gnomAD 0.00001.
gnomAD v4.1: 4 of 1,614,082 alleles (0.00025%); highest among the groups gnomAD compares: Admixed American, 0.0033%; no homozygotes.

Submission:

Labcorp Genetics (formerly Invitae), Labcorp
Classification: Uncertain significance for Severe combined immunodeficiency due to IKK2 deficiency. Last evaluated: 2021-05-27. Review status: criteria provided, single submitter. Criteria: Invitae Variant Classification Sherloc (09022015). Collection method: clinical testing. Allele origin: germline.
Comment: Advanced modeling of protein sequence and biophysical properties (such as structural, functional, and spatial information, amino acid conservation, physicochemical variation, residue mobility, and thermodynamic stability) performed at Invitae indicates that this missense variant is not expected to disrupt IKBKB protein function. This variant has not been reported in the literature in individuals with IKBKB-related conditions. This variant is not present in population databases (ExAC no frequency). This sequence change replaces cysteine with tyrosine at codon 114 of the IKBKB protein (p.Cys114Tyr). The cysteine residue is highly conserved and there is a large physicochemical difference between cysteine and tyrosine. In summary, the available evidence is currently insufficient to determine the role of this variant in disease. Therefore, it has been classified as a Variant of Uncertain Significance.

NM_001556.3(IKBKB):c.341G>A (p.Cys114Tyr)

Genes: IKBKB (inhibitor of nuclear factor kappa B kinase subunit beta; plus strand), LOC126860373 (CDK7 strongly-dependent group 2 enhancer GRCh37_chr8:42150166-42151365; plus strand). Cytogenetic location: 8p11.21.
Variant type: single nucleotide variant.
Coding change: c.341G>A on transcript NM_001556.3 (MANE Select); coding-DNA position 341, G replaced by A.
Protein change: p.Cys114Tyr; replaces cysteine 114 with tyrosine.
Molecular consequence: missense variant. On other transcripts: non-coding transcript variant (3).
Genome position (GRCh38, 1-based): chr8:42,293,465, G>A. VCF-style: chr8-42293465-G-A. GRCh37 (hg19) VCF-style: chr8-42150983-G-A.
Other names: c.149G>A, p.Cys50Tyr (NM_001190720.3); c.164G>A, p.Cys55Tyr (NM_001242778.2); short protein forms C50Y, C114Y, C55Y.
Identifiers: ClinVar variation 1491781 (VCV001491781.8), dbSNP rs1383844139, ClinGen allele CA371093570.